The following is an entry in ClinVar:

ClinVar aggregate classification (germline): Benign. Review status: criteria provided, multiple submitters, no conflicts (2 of 4 stars). 3 submissions from 3 submitters: Benign (3). Last evaluated 2025-12-24.

Conditions:
Ichthyosis bullosa of Siemens (IBS). Also called: Superficial epidermolytic ichthyosis. Identifiers: Orphanet 455, MedGen C0432306, MONDO:0007813, OMIM 146800.

Allele frequency attached by ClinVar (database versions not stated): gnomAD exomes 0.00282; ExAC 0.00342; 1000 Genomes Project 30x 0.00937; 1000 Genomes Project 0.00998; gnomAD 0.01106 and 0.01192; ESP Exome Variant Server 0.01246; TOPMed 0.01306.
gnomAD v4.1: 3,334 of 1,614,146 alleles (0.21%); highest among the groups gnomAD compares: African/African-American, 3.8%; 65 homozygotes.

Submissions (3):

Labcorp Genetics (formerly Invitae), Labcorp
Classification: Benign. Last evaluated: 2025-12-24. Review status: criteria provided, single submitter. Criteria: Invitae Variant Classification Sherloc (09022015). Collection method: clinical testing. Allele origin: germline.

Illumina Laboratory Services, Illumina
Classification: Benign for Ichthyosis bullosa of Siemens. Last evaluated: 2018-01-13. Review status: criteria provided, single submitter. Criteria: ICSL Variant Classification Criteria 13 December 2019. Collection method: clinical testing. Allele origin: germline.
Comment: This variant was observed in the ICSL laboratory as part of a predisposition screen in an ostensibly healthy population. It had not been previously curated by ICSL or reported in the Human Gene Mutation Database (HGMD: prior to June 1st, 2018), and was therefore a candidate for classification through an automated scoring system. Utilizing variant allele frequency, disease prevalence and penetrance estimates, and inheritance mode, an automated score was calculated to assess if this variant is too frequent to cause the disease. Based on the score and internal cut-off values, a variant classified as benign is not then subjected to further curation. The score for this variant resulted in a classification of benign for this disease.

Breakthrough Genomics
Classification: Benign. Review status: criteria provided, single submitter. Criteria: ACMG Guidelines, 2015. Collection method: not provided. Allele origin: germline. Inheritance: Autosomal dominant inheritance. Affected: yes.

NM_000423.3(KRT2):c.1550C>G (p.Ala517Gly)

Gene: KRT2 (keratin 2; minus strand). Cytogenetic location: 12q13.13.
Variant type: single nucleotide variant.
Coding change: c.1550C>G on transcript NM_000423.3 (MANE Select); coding-DNA position 1550, C replaced by G.
Protein change: p.Ala517Gly; replaces alanine 517 with glycine.
Molecular consequence: missense variant.
Genome position (GRCh38, 1-based): chr12:52,645,389, G>C on the plus strand (C>G on the coding strand, the complement: KRT2 is on the minus strand). VCF-style: chr12-52645389-G-C. GRCh37 (hg19) VCF-style: chr12-53039173-G-C.
Other names: short protein forms A517G.
Identifiers: ClinVar variation 309599 (VCV000309599.14), dbSNP rs35043606, ClinGen allele CA6585420.